The following is an entry in ClinVar:

ClinVar aggregate classification (germline): Uncertain significance (1 of 4 stars; one submission).

Conditions:
Inborn genetic diseases. Identifiers: MedGen C0950123, MeSH D030342.

Submission:

Ambry Genetics
Classification: Uncertain significance for Inborn genetic diseases. Last evaluated: 2026-07-08. Review status: criteria provided, single submitter. Criteria: Ambry Variant Classification Scheme 2023. Collection method: clinical testing. Allele origin: germline.
Comment: The c.424G>A (p.E142K) alteration is located in exon 4 (coding exon 4) of the GPAA1 gene. This alteration results from a G to A substitution at nucleotide position 424, causing the glutamic acid (E) at amino acid position 142 to be replaced by a lysine (K). The Genome Aggregation Database (gnomAD) data for this variant is unreliable due to technical and/or biological issues; therefore, population frequency estimates were not considered. This variant has been identified in the homozygous state and/or in conjunction with other GPAA1 variant(s) in individual(s) with features consistent with GPAA1-related glycosylphosphatidylinositol biosynthesis defect (Fontana, 2023). This amino acid position is highly conserved in available vertebrate species. This alteration is predicted to be deleterious by in silico analysis. Based on insufficient or conflicting evidence, the clinical significance of this alteration remains unclear.

Literature cited by the submitters: PubMed 37510348.

NM_003801.4(GPAA1):c.424G>A (p.Glu142Lys)

Gene: GPAA1 (glycosylphosphatidylinositol anchor attachment 1; plus strand). Cytogenetic location: 8q24.3.
Variant type: single nucleotide variant.
Coding change: c.424G>A on transcript NM_003801.4 (MANE Select); coding-DNA position 424, G replaced by A.
Protein change: p.Glu142Lys; replaces glutamic acid 142 with lysine.
Molecular consequence: missense variant.
Genome position (GRCh38, 1-based): chr8:144,083,771, G>A. VCF-style: chr8-144083771-G-A. GRCh37 (hg19) VCF-style: chr8-145138674-G-A.
Other names: short protein forms E142K.
Identifiers: ClinVar variation 5022480 (VCV005022480.1).
Genomic context (GRCh38, chr8:144,083,771, plus strand): 5'-CAGATGGTGTCGGGCACCAACGTGTACGGCATCCTGCGGGCCCCGCGTGCTGCCAGCACC[G>A]AGTCGCTTGTGCTCACCGTGCCCTGTGGCTCTGACTCTACCAACAGCCAGGCTGTGGGGC-3'
Protein context (NP_003792.1, residues 132-152): ILRAPRAAST[Glu142Lys]SLVLTVPCGS